The following is an entry in ClinVar:

ClinVar aggregate classification (germline): Uncertain significance (1 of 4 stars; one submission).

Conditions:
RP1L1-related disorder. Also called: RP1L1-related condition.

gnomAD v4.1: 24 of 1,613,780 alleles (0.0015%); highest among the groups gnomAD compares: Non-Finnish European, 0.0019%; no homozygotes.

Submission:

PreventionGenetics, part of Exact Sciences
Classification: Uncertain significance for RP1L1-related condition. Last evaluated: 2025-08-29. Review status: criteria provided, single submitter. Criteria: ACMG Guidelines, 2015. Collection method: clinical testing. Allele origin: germline.
Comment: The RP1L1 c.401G>A variant is predicted to result in the amino acid substitution p.Gly134Asp. To our knowledge, this variant has not been reported in the literature. This variant is reported in 0.0027% of alleles in individuals of European (Non-Finnish) descent in gnomAD. At this time, the clinical significance of this variant is uncertain due to the absence of conclusive functional and genetic evidence.

NM_178857.6(RP1L1):c.401G>A (p.Gly134Asp)

Gene: RP1L1 (RP1 like 1). Cytogenetic location: 8p23.1.
Variant type: single nucleotide variant.
Coding change: c.401G>A on transcript NM_178857.6 (MANE Select); coding-DNA position 401, G replaced by A.
Protein change: p.Gly134Asp; replaces glycine 134 with aspartic acid.
Molecular consequence: missense variant.
Genome position (GRCh38, 1-based): chr8:10,622,801, C>T on the plus strand (G>A on the coding strand, the complement: RP1L1 is on the minus strand). VCF-style: chr8-10622801-C-T. GRCh37 (hg19) VCF-style: chr8-10480311-C-T.
Other names: short protein forms G134D.
Identifiers: ClinVar variation 4981662 (VCV004981662.1).